The following is an entry in ClinVar:

NM_002541.4(OGDH):c.1026+6G>A

Gene: OGDH (oxoglutarate dehydrogenase; plus strand). Cytogenetic location: 7p13.
Variant type: single nucleotide variant.
Coding change: c.1026+6G>A on transcript NM_002541.4 (MANE Select); 6 bases into the intron after coding-DNA position 1026, G replaced by A.
Molecular consequence: intron variant.
Genome position (GRCh38, 1-based): chr7:44,675,274, G>A. VCF-style: chr7-44675274-G-A. GRCh37 (hg19) VCF-style: chr7-44714873-G-A.
Other names: c.1059+6G>A (NM_001363523.2); c.1014+6G>A (NM_001165036.2); c.1026+6G>A (NM_001003941.3).
Identifiers: ClinVar variation 2140332 (VCV002140332.4), dbSNP rs1452457021, ClinGen allele CA573816993.

ClinVar aggregate classification (germline): Uncertain significance (1 of 4 stars; one submission).

Conditions:
Oxoglutaricaciduria. Identifiers: Orphanet 31, MedGen C2752074, MONDO:0008759, OMIM 203740.

Allele frequency attached by ClinVar (database versions not stated): gnomAD exomes 0.00001.
gnomAD v4.1: 3 of 1,611,806 alleles (0.00019%); highest among the groups gnomAD compares: Admixed American, 0.0033%; no homozygotes.

Submission:

Labcorp Genetics (formerly Invitae), Labcorp
Classification: Uncertain significance for Oxoglutaricaciduria. Last evaluated: 2022-01-07. Review status: criteria provided, single submitter. Criteria: Invitae Variant Classification Sherloc (09022015). Collection method: clinical testing. Allele origin: germline.
Comment: In summary, the available evidence is currently insufficient to determine the role of this variant in disease. Therefore, it has been classified as a Variant of Uncertain Significance. Variants that disrupt the consensus splice site are a relatively common cause of aberrant splicing (PMID: 17576681, 9536098). Algorithms developed to predict the effect of sequence changes on RNA splicing suggest that this variant is not likely to affect RNA splicing. This variant has not been reported in the literature in individuals affected with OGDH-related conditions. This variant is present in population databases (no rsID available, gnomAD 0.0009%). This sequence change falls in intron 8 of the OGDH gene. It does not directly change the encoded amino acid sequence of the OGDH protein. It affects a nucleotide within the consensus splice site.

Literature cited by the submitters: PubMed 17576681; PubMed 9536098.